The following is an entry in ClinVar:

NM_021229.4(NTN4):c.823C>T (p.His275Tyr)

Gene: NTN4 (netrin 4; minus strand). Cytogenetic location: 12q22.
Variant type: single nucleotide variant.
Coding change: c.823C>T on transcript NM_021229.4 (MANE Select); coding-DNA position 823, C replaced by T.
Protein change: p.His275Tyr; replaces histidine 275 with tyrosine.
Molecular consequence: missense variant.
Genome position (GRCh38, 1-based): chr12:95,737,907, G>A on the plus strand (C>T on the coding strand, the complement: NTN4 is on the minus strand). VCF-style: chr12-95737907-G-A. GRCh37 (hg19) VCF-style: chr12-96131685-G-A.
Other names: c.823C>T, p.His275Tyr (NM_001329700.2); c.712C>T, p.His238Tyr (NM_001329701.2, NM_001329702.2); short protein forms H275Y, H238Y.
Identifiers: ClinVar variation 161749 (VCV000161749.2), dbSNP rs193920922, ClinGen allele CA174715.

ClinVar aggregate classification (germline): Uncertain significance (0 of 4 stars; one submission).

Conditions:
Prostate cancer. Also called: Malignant tumor of prostate. Identifiers: Orphanet 1331, MedGen C0376358, MONDO:0008315, HP:0012125.

Submission:

Science for Life laboratory,  Karolinska Institutet
Classification: Uncertain significance for Malignant tumor of prostate. Review status: no assertion criteria provided. Collection method: not provided. Allele origin: somatic.
Comment: TumorID:SWE-19
ClinVar note: Converted during submission from Unknown to Uncertain significance.